The following is an entry in ClinVar:

NM_004855.5(PIGB):c.772C>G (p.Leu258Val)

Gene: PIGB (phosphatidylinositol glycan anchor biosynthesis class B; plus strand). Cytogenetic location: 15q21.3.
Variant type: single nucleotide variant.
Coding change: c.772C>G on transcript NM_004855.5 (MANE Select); coding-DNA position 772, C replaced by G.
Protein change: p.Leu258Val; replaces leucine 258 with valine.
Molecular consequence: missense variant.
Genome position (GRCh38, 1-based): chr15:55,333,985, C>G. VCF-style: chr15-55333985-C-G. GRCh37 (hg19) VCF-style: chr15-55626183-C-G.
Other names: short protein forms L258V.
Identifiers: ClinVar variation 2170035 (VCV002170035.1), dbSNP rs377478522, ClinGen allele CA7573920.

ClinVar aggregate classification (germline): Uncertain significance (1 of 4 stars; one submission).

Allele frequency attached by ClinVar (database versions not stated): TOPMed below 0.00001; ExAC 0.00001; gnomAD 0.00001; gnomAD exomes 0.00002; ESP Exome Variant Server 0.00008.
gnomAD v4.1: 31 of 1,603,256 alleles (0.0019%); highest among the groups gnomAD compares: Non-Finnish European, 0.0025%; no homozygotes.

Submission:

Labcorp Genetics (formerly Invitae), Labcorp
Classification: Uncertain significance. Last evaluated: 2022-04-01. Review status: criteria provided, single submitter. Criteria: Invitae Variant Classification Sherloc (09022015). Collection method: clinical testing. Allele origin: germline.
Comment: This sequence change replaces leucine, which is neutral and non-polar, with valine, which is neutral and non-polar, at codon 258 of the PIGB protein (p.Leu258Val). This variant is present in population databases (rs377478522, gnomAD 0.002%). This variant has not been reported in the literature in individuals affected with PIGB-related conditions. Algorithms developed to predict the effect of missense changes on protein structure and function (SIFT, PolyPhen-2, Align-GVGD) all suggest that this variant is likely to be tolerated. In summary, the available evidence is currently insufficient to determine the role of this variant in disease. Therefore, it has been classified as a Variant of Uncertain Significance.